The following is an entry in ClinVar:

NM_000059.4(BRCA2):c.3665C>T (p.Ala1222Val)

Gene: BRCA2 (BRCA2 DNA repair associated; plus strand). Cytogenetic location: 13q13.1.
Variant type: single nucleotide variant.
Coding change: c.3665C>T on transcript NM_000059.4 (MANE Select); coding-DNA position 3665, C replaced by T.
Protein change: p.Ala1222Val; replaces alanine 1222 with valine.
Molecular consequence: missense variant.
Genome position (GRCh38, 1-based): chr13:32,338,020, C>T. VCF-style: chr13-32338020-C-T. GRCh37 (hg19) VCF-style: chr13-32912157-C-T.
Other names: short protein forms A1222V.
Identifiers: ClinVar variation 1378934 (VCV001378934.7), dbSNP rs760071561, ClinGen allele CA387777983.

ClinVar aggregate classification (germline): Conflicting classifications of pathogenicity. Review status: criteria provided, conflicting classifications (1 of 4 stars). 2 submissions from 2 submitters: Uncertain significance (1); Likely benign (1). Last evaluated 2025-11-14.

Conditions:
Hereditary cancer-predisposing syndrome. Also called: Neoplastic Syndromes, Hereditary; Hereditary Cancer Syndrome; Tumor predisposition; Hereditary neoplastic syndrome. Identifiers: Orphanet 140162, MedGen C0027672, MeSH D009386, MONDO:0015356.
Hereditary breast ovarian cancer syndrome. Also called: Hereditary breast and ovarian cancer; Hereditary breast and/or ovarian cancer syndrome; Hereditary breast and ovarian cancer syndrome; Hereditary breast and ovarian cancer syndrome (HBOC); Breast and ovarian cancer; BRCA1- and BRCA2-Associated Hereditary Breast and Ovarian Cancer. Identifiers: Orphanet 145, MedGen C0677776, MeSH D061325, MONDO:0003582. Disease mechanism: loss of function.

Submissions (2):

Labcorp Genetics (formerly Invitae), Labcorp
Classification: Uncertain significance for Hereditary breast ovarian cancer syndrome. Last evaluated: 2025-11-14. Review status: criteria provided, single submitter. Criteria: Invitae Variant Classification Sherloc (09022015). Collection method: clinical testing. Allele origin: germline.
Comment: This sequence change replaces alanine, which is neutral and non-polar, with valine, which is neutral and non-polar, at codon 1222 of the BRCA2 protein (p.Ala1222Val). This variant is not present in population databases (gnomAD no frequency). This variant has not been reported in the literature in individuals affected with BRCA2-related conditions. ClinVar contains an entry for this variant (Variation ID: 1378934). Invitae Evidence Modeling of protein sequence and biophysical properties (such as structural, functional, and spatial information, amino acid conservation, physicochemical variation, residue mobility, and thermodynamic stability) indicates that this missense variant is not expected to disrupt BRCA2 protein function with a negative predictive value of 95%. In summary, the available evidence is currently insufficient to determine the role of this variant in disease. Therefore, it has been classified as a Variant of Uncertain Significance.

University of Washington Department of Laboratory Medicine, University of Washington
Classification: Likely benign for Hereditary cancer-predisposing syndrome. Last evaluated: 2023-03-23. Review status: criteria provided, single submitter. Criteria: Dines et al. (Genet Med. 2020). Collection method: curation. Allele origin: germline.
Comment: Missense variant in a coldspot region where missense variants are very unlikely to be pathogenic (PMID:31911673).

BRCA2 exon 11 coldspot. Reclassification based on statistical prior probability.